The following is an entry in ClinVar:

NM_007294.4(BRCA1):c.4205del (p.His1402fs)

Gene: BRCA1 (BRCA1 DNA repair associated; minus strand). Cytogenetic location: 17q21.31.
Variant type: Deletion.
Coding change: c.4205del on transcript NM_007294.4 (MANE Select); coding-DNA position 4205, one base deleted (A; older notation c.4205delA).
Protein change: p.His1402fs; shifts the reading frame from histidine 1402.
Molecular consequence: frameshift variant. On other transcripts: non-coding transcript variant (1).
Genome position (GRCh38, 1-based): chr17:43,082,556, T deleted on the plus strand (A on the coding strand, the reverse complement: BRCA1 is on the minus strand). VCF-style (leftmost placement, unchanged base first): chr17-43082555-AT-A. GRCh37 (hg19) VCF-style: chr17-41234572-AT-A.
Other names: 4324delA; c.3992delA, p.His1331Leufs (NM_001407571.1, NM_001407853.1, NM_001407894.1 and 12 more transcripts); c.4205delA, p.His1402Leufs (NM_001407581.1, NM_001407582.1, NM_001407583.1 and 23 more transcripts); c.4202delA, p.His1401Leufs (NM_001407587.1, NM_001407590.1, NM_001407591.1 and 21 more transcripts); c.4199delA, p.His1400Leufs (NM_001407627.1, NM_001407628.1, NM_001407629.1 and 5 more transcripts); c.4193delA, p.His1398Leufs (NM_001407646.1, NM_001407647.1); c.4082delA, p.His1361Leufs (NM_001407648.1, NM_001407664.1, NM_001407665.1 and 13 more transcripts); c.4079delA, p.His1360Leufs (NM_001407649.1, NM_001407670.1, NM_001407671.1 and 12 more transcripts); and 55 more; short protein forms H1355fs, H1402fs, H299fs.
Identifiers: ClinVar variation 266457 (VCV000266457.14), dbSNP rs886040214, ClinGen allele CA10589681.
Genomic context (GRCh38, chr17:43,082,555, plus strand): 5'-CCCATGCTGTTCTAACACAGCTTCTAGTTCAGCCATTTCCTGCTGGAGCTTTATCAGGTT[AT>A]GTTGCATGGTATCCCTCTGCTTCAAAAACGATAAATGGCACCAAGAAAATGAAATACTTT-3'

ClinVar aggregate classification (germline): Pathogenic. Review status: reviewed by expert panel (3 of 4 stars). 3 submissions from 3 submitters: Pathogenic (1). 2 of the submissions do not count toward it. Last evaluated 2016-10-18.

Conditions:
Hereditary breast ovarian cancer syndrome. Also called: Hereditary breast and ovarian cancer syndrome (HBOC); Breast and ovarian cancer; Hereditary breast and ovarian cancer syndrome; Hereditary breast and ovarian cancer; BRCA1- and BRCA2-Associated Hereditary Breast and Ovarian Cancer; Hereditary breast and/or ovarian cancer syndrome. Identifiers: Orphanet 145, MedGen C0677776, MeSH D061325, MONDO:0003582. Disease mechanism: loss of function.
Breast-ovarian cancer, familial, susceptibility to, 1 (BROVCA1). Also called: BRCA1 Hereditary Breast and Ovarian Cancer; OVARIAN CANCER, SUSCEPTIBILITY TO. Identifiers: Orphanet 145, MedGen C2676676, MONDO:0011450, OMIM 604370. Disease mechanism: loss of function.

Submissions (3):

Evidence-based Network for the Interpretation of Germline Mutant Alleles (ENIGMA)
Classification: Pathogenic for Breast-ovarian cancer, familial, susceptibility to, 1. Last evaluated: 2016-10-18. Review status: reviewed by expert panel. Criteria: ENIGMA BRCA1/2 Classification Criteria (2015). Collection method: curation. Allele origin: germline.
Comment: Variant allele predicted to encode a truncated non-functional protein.

Labcorp Genetics (formerly Invitae), Labcorp
Classification: Pathogenic for Hereditary breast ovarian cancer syndrome. Last evaluated: 2022-03-23. Review status: criteria provided, single submitter. Criteria: Invitae Variant Classification Sherloc (09022015). Collection method: clinical testing. Allele origin: germline. Not counted in ClinVar's aggregate classification.
Comment: For these reasons, this variant has been classified as Pathogenic. ClinVar contains an entry for this variant (Variation ID: 266457). This premature translational stop signal has been observed in individual(s) with clinical features of BRCA1-related conditions (PMID: 21520333). This variant is not present in population databases (gnomAD no frequency). This sequence change creates a premature translational stop signal (p.His1402Leufs*3) in the BRCA1 gene. It is expected to result in an absent or disrupted protein product. Loss-of-function variants in BRCA1 are known to be pathogenic (PMID: 20104584).

Consortium of Investigators of Modifiers of BRCA1/2 (CIMBA), c/o University of Cambridge
Classification: Pathogenic for Breast-ovarian cancer, familial, susceptibility to, 1. Last evaluated: 2015-10-02. Review status: criteria provided, single submitter. Criteria: CIMBA Mutation Classification guidelines May 2016. Collection method: clinical testing. Allele origin: germline. Not counted in ClinVar's aggregate classification.

Literature cited by the submitters: PubMed 21520333 (cited by Labcorp Genetics (formerly Invitae), Labcorp); PubMed 20104584 (cited by Labcorp Genetics (formerly Invitae), Labcorp).